The following is an entry in ClinVar:

ClinVar aggregate classification (germline): Uncertain significance (1 of 4 stars; one submission).

Submission:

GeneDx
Classification: Uncertain significance. Last evaluated: 2023-05-18. Review status: criteria provided, single submitter. Criteria: GeneDx Variant Classification Process June 2021. Collection method: clinical testing. Allele origin: germline. Affected: yes.
Comment: Not observed at significant frequency in large population cohorts (gnomAD); In silico analysis supports that this missense variant has a deleterious effect on protein structure/function; Has not been previously published as pathogenic or benign to our knowledge

NM_013436.5(NCKAP1):c.2387T>C (p.Leu796Ser)

Gene: NCKAP1 (NCK associated protein 1; minus strand). Cytogenetic location: 2q32.1.
Variant type: single nucleotide variant.
Coding change: c.2387T>C on transcript NM_013436.5 (MANE Select); coding-DNA position 2387, T replaced by C.
Protein change: p.Leu796Ser; replaces leucine 796 with serine.
Molecular consequence: missense variant.
Genome position (GRCh38, 1-based): chr2:182,952,909, A>G on the plus strand (T>C on the coding strand, the complement: NCKAP1 is on the minus strand). VCF-style: chr2-182952909-A-G. GRCh37 (hg19) VCF-style: chr2-183817637-A-G.
Other names: c.2405T>C, p.Leu802Ser (NM_205842.3); short protein forms L796S, L802S.
Identifiers: ClinVar variation 3343656 (VCV003343656.1).
Genomic context (GRCh38, chr2:182,952,909, plus strand): 5'-TTCACAAACGCTTTCATTGCAGGAAAATATGCTATATGGCCATTGCTGACTTGTCGTAAC[A>G]AAGTTTCCAAATACCTAAGGAGAAACGTAAACTTATAACCGGAAGAAACTGCTTAATTCA-3'
Protein context (NP_038464.1, residues 786-806): SLYTNWYLET[Leu796Ser]LRQVSNGHIA